The following is an entry in ClinVar:

ClinVar aggregate classification (germline): Benign/Likely benign. Review status: criteria provided, multiple submitters, no conflicts (2 of 4 stars). 3 submissions from 3 submitters: Benign (1); Likely benign (1). 1 of the submissions does not count toward it. Last evaluated 2026-01-03.

Conditions:
Immunodeficiency, common variable, 7. Identifiers: Orphanet 1572, Orphanet 696894, MedGen C3542922, MONDO:0013862, OMIM 614699.
CR2-related disorder. Also called: CR2-related condition; CR2-related disorders.

Allele frequency attached by ClinVar (database versions not stated): gnomAD below 0.00001 and 0.00022; TOPMed 0.00005; 1000 Genomes Project 0.00060; 1000 Genomes Project 30x 0.00062; gnomAD exomes 0.00079; ExAC 0.00092.
gnomAD v4.1: 601 of 1,613,850 alleles (0.037%); highest among the groups gnomAD compares: South Asian, 0.62%; 7 homozygotes.

Submissions (3):

Labcorp Genetics (formerly Invitae), Labcorp
Classification: Benign for Immunodeficiency, common variable, 7. Last evaluated: 2026-01-03. Review status: criteria provided, single submitter. Criteria: Invitae Variant Classification Sherloc (09022015). Collection method: clinical testing. Allele origin: germline.

Blueprint Genetics
Classification: Likely benign. Last evaluated: 2024-10-30. Review status: criteria provided, single submitter. Criteria: ACMG Guidelines, 2015. Collection method: clinical testing. Allele origin: germline.

PreventionGenetics, part of Exact Sciences
Classification: Likely benign for CR2-related condition. Last evaluated: 2024-05-22. Review status: no assertion criteria provided. Collection method: clinical testing. Allele origin: germline. Not counted in ClinVar's aggregate classification.
Comment: This variant is classified as likely benign based on ACMG/AMP sequence variant interpretation guidelines (Richards et al. 2015 PMID: 25741868, with internal and published modifications).

NM_001006658.3(CR2):c.1296A>T (p.Gly432=)

Gene: CR2 (complement C3d receptor 2; plus strand). Cytogenetic location: 1q32.2.
Variant type: single nucleotide variant.
Coding change: c.1296A>T on transcript NM_001006658.3 (MANE Select); coding-DNA position 1296, A replaced by T.
Protein change: p.Gly432=; no amino-acid change (glycine 432 retained).
Molecular consequence: synonymous variant.
Genome position (GRCh38, 1-based): chr1:207,470,810, A>T. VCF-style: chr1-207470810-A-T. GRCh37 (hg19) VCF-style: chr1-207644155-A-T.
Other names: c.1296A>T, p.Gly432= (NM_001877.5).
Identifiers: ClinVar variation 790809 (VCV000790809.12), dbSNP rs201585844, ClinGen allele CA1368684.